The following is an entry in ClinVar:

NM_182961.4(SYNE1):c.16048A>G (p.Thr5350Ala)

Gene: SYNE1 (spectrin repeat containing nuclear envelope protein 1; minus strand). Cytogenetic location: 6q25.2.
Variant type: single nucleotide variant.
Coding change: c.16048A>G on transcript NM_182961.4 (MANE Select); coding-DNA position 16048, A replaced by G.
Protein change: p.Thr5350Ala; replaces threonine 5350 with alanine.
Molecular consequence: missense variant.
Genome position (GRCh38, 1-based): chr6:152,321,756, T>C on the plus strand (A>G on the coding strand, the complement: SYNE1 is on the minus strand). VCF-style: chr6-152321756-T-C. GRCh37 (hg19) VCF-style: chr6-152642891-T-C.
Other names: c.15835A>G, p.Thr5279Ala (NM_033071.5); short protein forms T5350A, T5279A.
Identifiers: ClinVar variation 1505850 (VCV001505850.6), dbSNP rs2095873538, ClinGen allele CA366118525.

ClinVar aggregate classification (germline): Uncertain significance (1 of 4 stars; one submission).

Conditions:
Autosomal recessive ataxia, Beauce type. Also called: SYNE1-Related Autosomal Recessive Cerebellar Ataxia; Spinocerebellar ataxia, autosomal recessive 8; ATAXIA, RECESSIVE, OF BEAUCE; SYNE1 Deficiency. Identifiers: Orphanet 88644, MedGen C1853116, MONDO:0012549, OMIM 610743.
Emery-Dreifuss muscular dystrophy 4, autosomal dominant (EDMD4). Also called: EMERY-DREIFUSS MUSCULAR DYSTROPHY 4 WITH VARIABLE FEATURES. Identifiers: Orphanet 261, MedGen C2751807, MONDO:0013071, OMIM 612998.

Allele frequency attached by ClinVar (database versions not stated): gnomAD exomes below 0.00001.
gnomAD v4.1: 2 of 1,614,072 alleles (0.00012%); highest among the groups gnomAD compares: South Asian, 0.0011%; no homozygotes.

Submission:

Labcorp Genetics (formerly Invitae), Labcorp
Classification: Uncertain significance for Emery-Dreifuss muscular dystrophy 4, autosomal dominant; Autosomal recessive ataxia, Beauce type. Last evaluated: 2021-12-02. Review status: criteria provided, single submitter. Criteria: Invitae Variant Classification Sherloc (09022015). Collection method: clinical testing. Allele origin: germline.
Comment: This variant has not been reported in the literature in individuals affected with SYNE1-related conditions. In summary, the available evidence is currently insufficient to determine the role of this variant in disease. Therefore, it has been classified as a Variant of Uncertain Significance. Algorithms developed to predict the effect of missense changes on protein structure and function (SIFT, PolyPhen-2, Align-GVGD) all suggest that this variant is likely to be tolerated. This variant is not present in population databases (gnomAD no frequency). This sequence change replaces threonine, which is neutral and polar, with alanine, which is neutral and non-polar, at codon 5279 of the SYNE1 protein (p.Thr5279Ala).